The following is an entry in ClinVar:

ClinVar aggregate classification (germline): Uncertain significance (1 of 4 stars; one submission).

gnomAD v4.1: 2 of 1,592,190 alleles (0.00013%); highest among the groups gnomAD compares: Non-Finnish European, 0.00017%; no homozygotes.

Submission:

Women's Health and Genetics/Laboratory Corporation of America, LabCorp
Classification: Uncertain significance. Last evaluated: 2026-03-24. Review status: criteria provided, single submitter. Criteria: LabCorp Variant Classification Summary - May 2015. Collection method: clinical testing. Allele origin: germline.
Comment: Variant summary: GRIK2 c.71T>G (p.Leu24Arg) results in a non-conservative amino acid change in the encoded protein sequence. Algorithms developed to predict the effect of missense changes on protein structure and function are either unavailable or do not agree on the potential impact of this missense change. The variant was absent in 251332 control chromosomes. The available data on variant occurrences in the general population are insufficient to allow any conclusion about variant significance. To our knowledge, no occurrence of c.71T>G in individuals affected with GRIK2-related conditions and no experimental evidence demonstrating its impact on protein function have been reported. No submitters have cited clinical-significance assessments for this variant to ClinVar. Based on the evidence outlined above, the variant was classified as uncertain significance.

NM_021956.5(GRIK2):c.71T>G (p.Leu24Arg)

Gene: GRIK2 (glutamate ionotropic receptor kainate type subunit 2; plus strand). Cytogenetic location: 6q16.3.
Variant type: single nucleotide variant.
Coding change: c.71T>G on transcript NM_021956.5 (MANE Select); coding-DNA position 71, T replaced by G.
Protein change: p.Leu24Arg; replaces leucine 24 with arginine.
Molecular consequence: missense variant.
Genome position (GRCh38, 1-based): chr6:101,399,348, T>G. VCF-style: chr6-101399348-T-G. GRCh37 (hg19) VCF-style: chr6-101847224-T-G.
Other names: c.71T>G, p.Leu24Arg (NM_001166247.1, NM_175768.3); short protein forms L24R.
Identifiers: ClinVar variation 4847735 (VCV004847735.1).
Genomic context (GRCh38, chr6:101,399,348, plus strand): 5'-TTTTCCCGATTCTAAGTAATCCAGTCTTCAGGCGCACCGTTAAACTCCTGCTCTGTTTAC[T>G]GTGGATTGGATATTCTCAAGGAACCACACATGTATTAAGATTTGGTAAGATTCCCCATCT-3'
Protein context (NP_068775.1, residues 14-34): RRTVKLLLCL[Leu24Arg]WIGYSQGTTH